The following is an entry in ClinVar:

ClinVar aggregate classification (germline): Uncertain significance (1 of 4 stars; one submission).

Conditions:
Early-infantile DEE. Also called: Early infantile epileptic encephalopathy; Ohtahara syndrome; Early infantile epileptic encephalopathy with suppression bursts. Identifiers: Orphanet 1934, MedGen C0393706, MONDO:0800491.

Submission:

Labcorp Genetics (formerly Invitae), Labcorp
Classification: Uncertain significance for Early-infantile DEE. Last evaluated: 2024-12-12. Review status: criteria provided, single submitter. Criteria: Invitae Variant Classification Sherloc (09022015). Collection method: clinical testing. Allele origin: germline.
Comment: This sequence change replaces alanine, which is neutral and non-polar, with proline, which is neutral and non-polar, at codon 1603 of the SCN8A protein (p.Ala1603Pro). This variant is not present in population databases (gnomAD no frequency). This variant has not been reported in the literature in individuals affected with SCN8A-related conditions. Invitae Evidence Modeling of protein sequence and biophysical properties (such as structural, functional, and spatial information, amino acid conservation, physicochemical variation, residue mobility, and thermodynamic stability) indicates that this missense variant is expected to disrupt SCN8A protein function with a positive predictive value of 95%. In summary, the available evidence is currently insufficient to determine the role of this variant in disease. Therefore, it has been classified as a Variant of Uncertain Significance.

NM_001330260.2(SCN8A):c.4807G>C (p.Ala1603Pro)

Gene: SCN8A (sodium voltage-gated channel alpha subunit 8; plus strand). Cytogenetic location: 12q13.13.
Variant type: single nucleotide variant.
Coding change: c.4807G>C on transcript NM_001330260.2 (MANE Select); coding-DNA position 4807, G replaced by C.
Protein change: p.Ala1603Pro; replaces alanine 1603 with proline.
Molecular consequence: missense variant.
Genome position (GRCh38, 1-based): chr12:51,806,293, G>C. VCF-style: chr12-51806293-G-C. GRCh37 (hg19) VCF-style: chr12-52200077-G-C.
Other names: c.4684G>C, p.Ala1562Pro (NM_001177984.3, NM_001369788.1); c.4807G>C, p.Ala1603Pro (NM_014191.4); short protein forms A1603P, A1562P.
Identifiers: ClinVar variation 3635208 (VCV003635208.2).